The following is an entry in ClinVar:

ClinVar aggregate classification (germline): Uncertain significance (1 of 4 stars; one submission).

Conditions:
Mendelian susceptibility to mycobacterial diseases due to complete IL12RB1 deficiency. Also called: Immunodeficiency 30; IL12RB1 DEFICIENCY. Identifiers: Orphanet 319552, MedGen C4013949, MONDO:0013955, OMIM 614891.

Allele frequency attached by ClinVar (database versions not stated): TOPMed below 0.00001; gnomAD 0.00001; gnomAD exomes 0.00001.
gnomAD v4.1: 9 of 1,611,240 alleles (0.00056%); highest among the groups gnomAD compares: Non-Finnish European, 0.00076%; no homozygotes.

Submission:

Labcorp Genetics (formerly Invitae), Labcorp
Classification: Uncertain significance for Mendelian susceptibility to mycobacterial diseases due to complete IL12RB1 deficiency. Last evaluated: 2022-02-09. Review status: criteria provided, single submitter. Criteria: Invitae Variant Classification Sherloc (09022015). Collection method: clinical testing. Allele origin: germline.
Comment: This variant is not present in population databases (gnomAD no frequency). This variant has not been reported in the literature in individuals affected with IL12RB1-related conditions. ClinVar contains an entry for this variant (Variation ID: 655079). Algorithms developed to predict the effect of missense changes on protein structure and function output the following: SIFT: "Deleterious"; PolyPhen-2: "Benign"; Align-GVGD: "Class C0". The alanine amino acid residue is found in multiple mammalian species, which suggests that this missense change does not adversely affect protein function. In summary, the available evidence is currently insufficient to determine the role of this variant in disease. Therefore, it has been classified as a Variant of Uncertain Significance. This sequence change replaces threonine, which is neutral and polar, with alanine, which is neutral and non-polar, at codon 417 of the IL12RB1 protein (p.Thr417Ala).

NM_005535.3(IL12RB1):c.1249A>G (p.Thr417Ala)

Gene: IL12RB1 (interleukin 12 receptor subunit beta 1; minus strand). Cytogenetic location: 19p13.11.
Variant type: single nucleotide variant.
Coding change: c.1249A>G on transcript NM_005535.3 (MANE Select); coding-DNA position 1249, A replaced by G.
Protein change: p.Thr417Ala; replaces threonine 417 with alanine.
Molecular consequence: missense variant.
Genome position (GRCh38, 1-based): chr19:18,068,467, T>C on the plus strand (A>G on the coding strand, the complement: IL12RB1 is on the minus strand). VCF-style: chr19-18068467-T-C. GRCh37 (hg19) VCF-style: chr19-18179277-T-C.
Other names: c.1249A>G, p.Thr417Ala (NM_001290023.2); c.1369A>G, p.Thr457Ala (NM_001290024.2); short protein forms T417A, T457A.
Identifiers: ClinVar variation 655079 (VCV000655079.6), dbSNP rs1233897841, ClinGen allele CA404777634.
Genomic context (GRCh38, chr19:18,068,467, plus strand): 5'-AGGTGGACAGGACCGTAGACCACAAGGTGAGCTTCTCGGGGTGCGCAGAGGCAAAGATGG[T>C]AATGTAGTAACACTTTTCCTGCCCCATTGCCCCAGACTCTCGACTCCAGCTGTAGGTTGC-3'
Protein context (NP_005526.1, residues 407-427): AMGQEKCYYI[Thr417Ala]IFASAHPEKL